The following is an entry in ClinVar:

NM_017849.4(TMEM127):c.348T>C (p.Phe116=)

Gene: TMEM127 (transmembrane protein 127; minus strand). Cytogenetic location: 2q11.2.
Variant type: single nucleotide variant.
Coding change: c.348T>C on transcript NM_017849.4 (MANE Select); coding-DNA position 348, T replaced by C.
Protein change: p.Phe116=; no amino-acid change (phenylalanine 116 retained).
Molecular consequence: synonymous variant.
Genome position (GRCh38, 1-based): chr2:96,254,894, A>G on the plus strand (T>C on the coding strand, the complement: TMEM127 is on the minus strand). VCF-style: chr2-96254894-A-G. GRCh37 (hg19) VCF-style: chr2-96920632-A-G.
Other names: c.348T>C, p.Phe116= (NM_001193304.3).
Identifiers: ClinVar variation 1161348 (VCV001161348.12), dbSNP rs926978443, ClinGen allele CA52412965.

ClinVar aggregate classification (germline): Benign/Likely benign. Review status: criteria provided, multiple submitters, no conflicts (2 of 4 stars). 3 submissions from 3 submitters: Benign (1); Likely benign (2). Last evaluated 2026-07-30.

Conditions:
Hereditary cancer-predisposing syndrome. Also called: Hereditary Cancer Syndrome; Hereditary neoplastic syndrome; Neoplastic Syndromes, Hereditary; Tumor predisposition. Identifiers: Orphanet 140162, MedGen C0027672, MeSH D009386, MONDO:0015356.
Hereditary pheochromocytoma and paraganglioma. Also called: Hereditary paragangliomas and pheochromocytomas; Hereditary Paraganglioma-Pheochromocytoma Syndromes; Hereditary pheochromocytoma-paraganglioma. Identifiers: Orphanet 29072, MedGen C4274332, MONDO:0017366.

Allele frequency attached by ClinVar (database versions not stated): TOPMed 0.00003; gnomAD 0.00004 and 0.00005.
gnomAD v4.1: 9 of 1,613,998 alleles (0.00056%); highest among the groups gnomAD compares: African/African-American, 0.0093%; no homozygotes.

Submissions (3):

Myriad Genetics, Inc.
Classification: Benign for Hereditary pheochromocytoma and paraganglioma. Last evaluated: 2026-07-30. Review status: criteria provided, single submitter. Criteria: Myriad Autosomal Dominant, Autosomal Recessive and X-Linked Classification Criteria (2023). Collection method: clinical testing. Allele origin: unknown.
Comment: This variant is considered benign. This variant is a silent/synonymous amino acid change and it is not expected to impact splicing.

Labcorp Genetics (formerly Invitae), Labcorp
Classification: Likely benign for Hereditary pheochromocytoma and paraganglioma. Last evaluated: 2025-12-10. Review status: criteria provided, single submitter. Criteria: Invitae Variant Classification Sherloc (09022015). Collection method: clinical testing. Allele origin: germline.

Ambry Genetics
Classification: Likely benign for Hereditary cancer-predisposing syndrome. Last evaluated: 2020-11-10. Review status: criteria provided, single submitter. Criteria: Ambry Variant Classification Scheme 2023. Collection method: clinical testing. Allele origin: germline.